The following is an entry in ClinVar:

ClinVar aggregate classification (germline): Uncertain significance. Review status: criteria provided, multiple submitters, no conflicts (2 of 4 stars). 4 submissions from 4 submitters: Uncertain significance (4). Last evaluated 2025-05-01.

Conditions:
Dilated cardiomyopathy 1J (CMD1J). Also called: CARDIOMYOPATHY, DILATED, WITH SENSORINEURAL HEARING LOSS, AUTOSOMAL DOMINANT. Identifiers: Orphanet 217622, MedGen C1854368, MONDO:0011541, OMIM 605362.
Cardiovascular phenotype. Identifiers: MedGen CN230736.

Allele frequency attached by ClinVar (database versions not stated): gnomAD below 0.00001 and 0.00005; TOPMed below 0.00001; ExAC 0.00006; 1000 Genomes Project 30x 0.00016; 1000 Genomes Project 0.00020.
gnomAD v4.1: 67 of 1,613,874 alleles (0.0042%); highest among the groups gnomAD compares: South Asian, 0.065%; no homozygotes.

Submissions (4):

Labcorp Genetics (formerly Invitae), Labcorp
Classification: Uncertain significance for Dilated cardiomyopathy 1J. Last evaluated: 2025-05-01. Review status: criteria provided, single submitter. Criteria: Invitae Variant Classification Sherloc (09022015). Collection method: clinical testing. Allele origin: germline.
Comment: This sequence change replaces serine, which is neutral and polar, with phenylalanine, which is neutral and non-polar, at codon 51 of the EYA4 protein (p.Ser51Phe). This variant is present in population databases (rs542906126, gnomAD 0.05%), and has an allele count higher than expected for a pathogenic variant. This missense change has been observed in individual(s) with hearing loss (PMID: 26969326). ClinVar contains an entry for this variant (Variation ID: 579330). An algorithm developed to predict the effect of missense changes on protein structure and function (PolyPhen-2) suggests that this variant is likely to be disruptive. In summary, the available evidence is currently insufficient to determine the role of this variant in disease. Therefore, it has been classified as a Variant of Uncertain Significance.

Ambry Genetics
Classification: Uncertain significance for Cardiovascular phenotype. Last evaluated: 2025-01-29. Review status: criteria provided, single submitter. Criteria: Ambry Variant Classification Scheme 2023. Collection method: clinical testing. Allele origin: germline.
Comment: The p.S51F variant (also known as c.152C>T), located in coding exon 3 of the EYA4 gene, results from a C to T substitution at nucleotide position 152. The serine at codon 51 is replaced by phenylalanine, an amino acid with highly dissimilar properties. This variant has been detected in a hearing loss cohort in an individual with suspected branchiootorenal syndrome (Sloan-Heggen CM et al. Hum Genet, 2016 Apr;135:441-450). This amino acid position is highly conserved in available vertebrate species. In addition, this alteration is predicted to be deleterious by in silico analysis. Since supporting evidence is limited at this time, the clinical significance of this alteration remains unclear.

Neuberg Centre For Genomic Medicine, NCGM
Classification: Uncertain significance for Dilated cardiomyopathy 1J. Last evaluated: 2023-06-22. Review status: criteria provided, single submitter. Criteria: ACMG Guidelines, 2015. Collection method: clinical testing. Allele origin: germline. Inheritance: Autosomal dominant inheritance. Affected: yes.
Comment: The missense c.152C>T p.Ser51Phe variant in the EYA4 gene in a hearing loss cohort in an individual with suspected branchiootorenal syndrome Sloan-Heggen, Christina M et al.,2016. This variant is reported with the allele frequency 0.005% in the gnomAD Exomes and novel in 1000 Genomes. It is submitted to ClinVar as Uncertian Significance. The amino acid Serine at position 51 is changed to a Phenylalanine changing protein sequence and it might alter its composition and physico-chemical properties. The variant is predicted as damaging by SIFT. The amino acid change p.Ser51Phe in EYA4 is predicted as conserved by GERP++ and PhyloP across 100 vertebrates. For these reasons, this variant has been classified as Uncertain Significance.

GeneDx
Classification: Uncertain significance. Last evaluated: 2023-05-30. Review status: criteria provided, single submitter. Criteria: GeneDx Variant Classification Process June 2021. Collection method: clinical testing. Allele origin: germline. Affected: yes.
Comment: Has been reported in a patient with branchiootorenal syndrome (Sloan-Heggen et al., 2016); In silico analysis supports that this missense variant does not alter protein structure/function; This variant is associated with the following publications: (PMID: 34426522, 26969326)

Literature cited by the submitters: PubMed 26969326 (cited by Labcorp Genetics (formerly Invitae), Labcorp and Ambry Genetics); PubMed 34426522 (cited by Ambry Genetics).

NM_004100.5(EYA4):c.152C>T (p.Ser51Phe)

Gene: EYA4 (EYA transcriptional coactivator and phosphatase 4; plus strand). Cytogenetic location: 6q23.2.
Variant type: single nucleotide variant.
Coding change: c.152C>T on transcript NM_004100.5 (MANE Select); coding-DNA position 152, C replaced by T.
Protein change: p.Ser51Phe; replaces serine 51 with phenylalanine.
Molecular consequence: missense variant.
Genome position (GRCh38, 1-based): chr6:133,446,698, C>T. VCF-style: chr6-133446698-C-T. GRCh37 (hg19) VCF-style: chr6-133767836-C-T.
Other names: c.152C>T, p.Ser51Phe (NM_001301012.2, NM_001301013.2, NM_001370458.1 and 3 more transcripts); short protein forms S51F.
Identifiers: ClinVar variation 579330 (VCV000579330.15), dbSNP rs542906126, ClinGen allele CA4007965.
Genomic context (GRCh38, chr6:133,446,698, plus strand): 5'-AAATGCAGGACCTAGCAAGTCCTCATACTCTTGTTGGAGGTGGTGATACTCCAGGTAGCT[C>T]CAAACTGGAAAAATCTAATCTCAGCAGCACATCAGTTACTACAAATGGGACAGGAGGTAA-3'
Protein context (NP_004091.3, residues 41-61): LVGGGDTPGS[Ser51Phe]KLEKSNLSST